The following is an entry in ClinVar:

NM_006440.5(TXNRD2):c.284A>G (p.Lys95Arg)

Gene: TXNRD2 (thioredoxin reductase 2; minus strand). Cytogenetic location: 22q11.21.
Variant type: single nucleotide variant.
Coding change: c.284A>G on transcript NM_006440.5 (MANE Select); coding-DNA position 284, A replaced by G.
Protein change: p.Lys95Arg; replaces lysine 95 with arginine.
Molecular consequence: missense variant. On other transcripts: 5 prime UTR variant (1), non-coding transcript variant (1).
Genome position (GRCh38, 1-based): chr22:19,918,950, T>C on the plus strand (A>G on the coding strand, the complement: TXNRD2 is on the minus strand). VCF-style: chr22-19918950-T-C. GRCh37 (hg19) VCF-style: chr22-19906473-T-C.
Other names: c.284A>G, p.Lys95Arg (NM_001282512.3); c.281A>G, p.Lys94Arg (NM_001352300.2); c.194A>G, p.Lys65Arg (NM_001352301.2); c.-5A>G (NM_001352302.2); c.188A>G, p.Lys63Arg (NM_001352303.2); short protein forms K94R, K65R, K95R, K63R.
Identifiers: ClinVar variation 3022267 (VCV003022267.3), dbSNP rs897456386, ClinGen allele CA322105579.

ClinVar aggregate classification (germline): Uncertain significance (1 of 4 stars; one submission).

Conditions:
Primary dilated cardiomyopathy (DCM). Also called: Dilated Cardiomyopathy. Identifiers: Orphanet 217604, MedGen C0007193, MeSH D002311, MONDO:0005021, HP:0001644. Inheritance: Various modes of inheritance.

Submission:

Labcorp Genetics (formerly Invitae), Labcorp
Classification: Uncertain significance for Primary dilated cardiomyopathy. Last evaluated: 2023-06-25. Review status: criteria provided, single submitter. Criteria: Invitae Variant Classification Sherloc (09022015). Collection method: clinical testing. Allele origin: germline.
Comment: Advanced modeling of protein sequence and biophysical properties (such as structural, functional, and spatial information, amino acid conservation, physicochemical variation, residue mobility, and thermodynamic stability) performed at Invitae indicates that this missense variant is expected to disrupt TXNRD2 protein function. This sequence change replaces lysine, which is basic and polar, with arginine, which is basic and polar, at codon 95 of the TXNRD2 protein (p.Lys95Arg). This variant is present in population databases (no rsID available, gnomAD 0.01%). This variant has not been reported in the literature in individuals affected with TXNRD2-related conditions. In summary, the available evidence is currently insufficient to determine the role of this variant in disease. Therefore, it has been classified as a Variant of Uncertain Significance.